The following is an entry in ClinVar:

ClinVar aggregate classification (germline): Uncertain significance (1 of 4 stars; one submission).

Submission:

Ambry Genetics
Classification: Uncertain significance. Last evaluated: 2025-02-03. Review status: criteria provided, single submitter. Criteria: Ambry Variant Classification Scheme 2023. Collection method: clinical testing. Allele origin: germline.
Comment: The p.E123K variant (also known as c.367G>A), located in coding exon 1 of the WNK2 gene, results from a G to A substitution at nucleotide position 367. The glutamic acid at codon 123 is replaced by lysine, an amino acid with similar properties. This amino acid position is conserved. In addition, this alteration is predicted to be tolerated by in silico analysis. Based on the available evidence, the clinical significance of this variant remains unclear.

NM_006648.4(WNK2):c.367G>A (p.Glu123Lys)

Gene: WNK2 (WNK lysine deficient protein kinase 2; plus strand). Cytogenetic location: 9q22.31.
Variant type: single nucleotide variant.
Coding change: c.367G>A on transcript NM_006648.4 (MANE Select); coding-DNA position 367, G replaced by A.
Protein change: p.Glu123Lys; replaces glutamic acid 123 with lysine.
Molecular consequence: missense variant.
Genome position (GRCh38, 1-based): chr9:93,185,296, G>A. VCF-style: chr9-93185296-G-A. GRCh37 (hg19) VCF-style: chr9-95947578-G-A.
Other names: c.367G>A, p.Glu123Lys (NM_001282394.3); short protein forms E123K.
Identifiers: ClinVar variation 3816993 (VCV003816993.1).